The following is an entry in ClinVar:

ClinVar aggregate classification (germline): Pathogenic/Likely pathogenic. Review status: criteria provided, multiple submitters, no conflicts (2 of 4 stars). 3 submissions from 3 submitters: Pathogenic (1); Likely pathogenic (2). Last evaluated 2024-11-09.

Conditions:
Gray platelet syndrome (GPS). Also called: BLEEDING DISORDER, PLATELET-TYPE, 4. Identifiers: Orphanet 721, MedGen C0272302, MONDO:0007686, OMIM 139090.
NBEAL2-related disorder. Also called: NBEAL2-related condition.

Submissions (3):

Labcorp Genetics (formerly Invitae), Labcorp
Classification: Likely pathogenic. Last evaluated: 2024-11-09. Review status: criteria provided, single submitter. Criteria: Invitae Variant Classification Sherloc (09022015). Collection method: clinical testing. Allele origin: germline.
Comment: This sequence change affects an acceptor splice site in intron 28 of the NBEAL2 gene. It is expected to disrupt RNA splicing. Variants that disrupt the donor or acceptor splice site typically lead to a loss of protein function (PMID: 16199547), and loss-of-function variants in NBEAL2 are known to be pathogenic (PMID: 21765412, 23100277). This variant is not present in population databases (gnomAD no frequency). Disruption of this splice site has been observed in individual(s) with gray platelet syndrome (PMID: 32693407). Algorithms developed to predict the effect of sequence changes on RNA splicing suggest that this variant may disrupt the consensus splice site. In summary, the currently available evidence indicates that the variant is pathogenic, but additional data are needed to prove that conclusively. Therefore, this variant has been classified as Likely Pathogenic.

3billion
Classification: Pathogenic for Gray platelet syndrome. Last evaluated: 2024-11-01. Review status: criteria provided, single submitter. Criteria: ACMG Guidelines, 2015. Collection method: clinical testing. Allele origin: germline. Affected: yes.
Comment: The variant is not observed in the gnomAD v4.1.0 dataset. Predicted Consequence/Location: Canonical splice site: predicted to alter splicing and result in a loss or disruption of normal protein function. Multiple pathogenic loss-of-function variants are reported downstream of the variant. In silico tools predict the variant to alter splicing and produce an abnormal transcript [SpliceAI: 0.96 (spliceogenicity >=0.2, non-spliceogenicity <0.1)]. Therefore, this variant is classified as Pathogenic according to the recommendation of ACMG/AMP guideline.

Blueprint Genetics
Classification: Likely pathogenic for NBEAL2-related disorders. Last evaluated: 2021-09-01. Review status: criteria provided, single submitter. Criteria: ACMG Guidelines, 2015. Collection method: clinical testing. Allele origin: germline. Affected: yes. Observed: 2 variant alleles.

Literature cited by the submitters: PubMed 16199547 (cited by Labcorp Genetics (formerly Invitae), Labcorp); PubMed 21765412 (cited by Labcorp Genetics (formerly Invitae), Labcorp); PubMed 23100277 (cited by Labcorp Genetics (formerly Invitae), Labcorp); PubMed 32693407 (cited by Labcorp Genetics (formerly Invitae), Labcorp).

NM_015175.3(NBEAL2):c.4485-1G>A

Gene: NBEAL2 (neurobeachin like 2; plus strand). Cytogenetic location: 3p21.31.
Variant type: single nucleotide variant.
Coding change: c.4485-1G>A on transcript NM_015175.3 (MANE Select); the canonical splice acceptor site of the intron before coding-DNA position 4485, G replaced by A.
Molecular consequence: splice acceptor variant.
Genome position (GRCh38, 1-based): chr3:47,001,278, G>A. VCF-style: chr3-47001278-G-A. GRCh37 (hg19) VCF-style: chr3-47042768-G-A.
Other names: c.4383-1G>A (NM_001365116.2).
Identifiers: ClinVar variation 3606036 (VCV003606036.4).